The following is an entry in ClinVar:

ClinVar aggregate classification (germline): Pathogenic (1 of 4 stars; one submission).

Conditions:
Renal tubular acidosis with progressive nerve deafness. Also called: RENAL TUBULAR ACIDOSIS, AUTOSOMAL RECESSIVE, WITH PROGRESSIVE NERVE DEAFNESS; RTA WITH PROGRESSIVE NERVE DEAFNESS; Distal Renal Tubular Acidosis with Progressive Sensorineural Deafness; renal tubular acidosis, distal, 2, with progressive sensorineural hearing loss. Identifiers: MedGen C0403554, MONDO:0009968, OMIM 267300.

Submission:

Myriad Genetics, Inc.
Classification: Pathogenic for Renal tubular acidosis with progressive nerve deafness. Last evaluated: 2023-09-27. Review status: criteria provided, single submitter. Criteria: Myriad Autosomal Dominant, Autosomal Recessive and X-Linked Classification Criteria (2023). Collection method: clinical testing. Allele origin: unknown.
Comment: NM_001692.3(ATP6V1B1):c.571_572delCTinsGCC(L191Afs*5) is expected to be pathogenic in the context of distal renal tubular acidosis with deafness, ATP6V1B1-related. This variant is predicted to lead to an abnormal or absent protein product due to the creation of a premature termination codon in ATP6V1B1, a gene where loss-of-function variants are known to be pathogenic. Please note: this variant was assessed in the context of healthy population screening.

NM_001692.4(ATP6V1B1):c.571_572delinsGCC (p.Leu191fs)

Gene: ATP6V1B1 (ATPase H+ transporting V1 subunit B1; plus strand). Cytogenetic location: 2p13.3.
Variant type: Indel.
Coding change: c.571_572delinsGCC on transcript NM_001692.4 (MANE Select); coding-DNA positions 571 to 572, CT replaced by GCC.
Protein change: p.Leu191fs; shifts the reading frame from leucine 191.
Molecular consequence: frameshift variant.
Genome position (GRCh38, 1-based): chr2:70,960,064-70,960,065, CT replaced by GCC. VCF-style: chr2-70960064-CT-GCC. GRCh37 (hg19) VCF-style: chr2-71187194-CT-GCC.
Other names: short protein forms L191fs.
Identifiers: ClinVar variation 5012057 (VCV005012057.1).